The following is an entry in ClinVar:

ClinVar aggregate classification (germline): Uncertain significance (1 of 4 stars; one submission).

gnomAD v4.1: 12 of 1,613,978 alleles (0.00074%); highest among the groups gnomAD compares: Non-Finnish European, 0.001%; no homozygotes.

Submission:

GeneDx
Classification: Uncertain significance. Last evaluated: 2025-07-12. Review status: criteria provided, single submitter. Criteria: GeneDx Variant Classification Process June 2021. Collection method: clinical testing. Allele origin: germline. Affected: yes.
Comment: Not observed at significant frequency in large population cohorts (gnomAD); In silico analysis suggests that this missense variant does not alter protein structure/function; Has not been previously published as pathogenic or benign to our knowledge

NM_000552.5(VWF):c.814G>T (p.Ala272Ser)

Gene: VWF (von Willebrand factor; minus strand). Cytogenetic location: 12p13.31.
Variant type: single nucleotide variant.
Coding change: c.814G>T on transcript NM_000552.5 (MANE Select); coding-DNA position 814, G replaced by T.
Protein change: p.Ala272Ser; replaces alanine 272 with serine.
Molecular consequence: missense variant.
Genome position (GRCh38, 1-based): chr12:6,075,395, C>A on the plus strand (G>T on the coding strand, the complement: VWF is on the minus strand). VCF-style: chr12-6075395-C-A. GRCh37 (hg19) VCF-style: chr12-6184561-C-A.
Other names: short protein forms A272S.
Identifiers: ClinVar variation 4686219 (VCV004686219.1).